The following is an entry in ClinVar:

NM_000051.4(ATM):c.8850+2T>A

Genes: ATM (ATM serine/threonine kinase; plus strand), C11orf65 (chromosome 11 open reading frame 65; minus strand). Cytogenetic location: 11q22.3.
Variant type: single nucleotide variant.
Coding change: c.8850+2T>A on transcript NM_000051.4 (MANE Select); the canonical splice donor site of the intron after coding-DNA position 8850, T replaced by A.
Molecular consequence: splice donor variant. On other transcripts: intron variant (2).
Genome position (GRCh38, 1-based): chr11:108,354,876, T>A. VCF-style: chr11-108354876-T-A. GRCh37 (hg19) VCF-style: chr11-108225603-T-A.
Other names: c.8850+2T>A (NM_001351834.2); c.640+31044A>T (NM_001330368.2); c.695-19584A>T (NM_001351110.2).
Identifiers: ClinVar variation 3148804 (VCV003148804.1), dbSNP rs1555143623, ClinGen allele CA382526137.

ClinVar aggregate classification (germline): Likely pathogenic (1 of 4 stars; one submission).

Conditions:
Familial cancer of breast. Also called: hereditary breast carcinoma; BREAST CANCER, FAMILIAL; Hereditary breast cancer. Identifiers: Orphanet 227535, MedGen C0346153, MONDO:0016419, OMIM 114480. Disease mechanism: loss of function.

Submission:

Myriad Genetics, Inc.
Classification: Likely pathogenic for Familial cancer of breast. Last evaluated: 2024-02-05. Review status: criteria provided, single submitter. Criteria: Myriad Autosomal Dominant, Autosomal Recessive and X-Linked Classification Criteria (2023). Collection method: clinical testing. Allele origin: unknown.
Comment: This variant is considered likely pathogenic. This variant occurs within a consensus splice junction and is predicted to result in abnormal mRNA splicing of either an out-of-frame exon or an in-frame exon necessary for protein stability and/or normal function.